The following is an entry in ClinVar:

NM_001079802.2(FKTN):c.707T>G (p.Met236Arg)

Gene: FKTN (fukutin; plus strand). Cytogenetic location: 9q31.2.
Variant type: single nucleotide variant.
Coding change: c.707T>G on transcript NM_001079802.2 (MANE Select); coding-DNA position 707, T replaced by G.
Protein change: p.Met236Arg; replaces methionine 236 with arginine.
Molecular consequence: missense variant. On other transcripts: non-coding transcript variant (2).
Genome position (GRCh38, 1-based): chr9:105,607,878, T>G. VCF-style: chr9-105607878-T-G. GRCh37 (hg19) VCF-style: chr9-108370159-T-G.
Other names: c.707T>G, p.Met236Arg (NM_001198963.2, NM_001351496.2, NM_001351498.2 and 1 more transcripts); c.638T>G, p.Met213Arg (NM_001351497.2); c.311T>G, p.Met104Arg (NM_001351499.2, NM_001351500.2, NM_001351501.2 and 1 more transcripts); c.707T>G (NM_001079802.1); short protein forms M104R, M236R, M213R.
Identifiers: ClinVar variation 1493837 (VCV001493837.4), dbSNP rs769033293, ClinGen allele CA5170473.

ClinVar aggregate classification (germline): Uncertain significance. Review status: criteria provided, multiple submitters, no conflicts (2 of 4 stars). 2 submissions from 2 submitters: Uncertain significance (2). Last evaluated 2024-04-13.

Conditions:
Walker-Warburg congenital muscular dystrophy. Also called: Muscular dystrophy-dystroglycanopathy, type A; Walker-Warburg syndrome. Identifiers: Orphanet 899, MedGen C0265221, MONDO:0000171.
Cardiovascular phenotype. Identifiers: MedGen CN230736.

Allele frequency attached by ClinVar (database versions not stated): gnomAD exomes below 0.00001 and 0.00002; ExAC 0.00001; gnomAD 0.00001; TOPMed 0.00001.
gnomAD v4.1: 4 of 1,611,432 alleles (0.00025%); highest among the groups gnomAD compares: Admixed American, 0.0067%; no homozygotes.

Submissions (2):

Ambry Genetics
Classification: Uncertain significance for Cardiovascular phenotype. Last evaluated: 2024-04-13. Review status: criteria provided, single submitter. Criteria: Ambry Variant Classification Scheme 2023. Collection method: clinical testing. Allele origin: germline.
Comment: The p.M236R variant (also known as c.707T>G), located in coding exon 5 of the FKTN gene, results from a T to G substitution at nucleotide position 707. The methionine at codon 236 is replaced by arginine, an amino acid with similar properties. This amino acid position is conserved. In addition, this alteration is predicted to be tolerated by in silico analysis. Based on the available evidence, the clinical significance of this variant remains unclear.

Labcorp Genetics (formerly Invitae), Labcorp
Classification: Uncertain significance for Walker-Warburg congenital muscular dystrophy. Last evaluated: 2022-10-13. Review status: criteria provided, single submitter. Criteria: Invitae Variant Classification Sherloc (09022015). Collection method: clinical testing. Allele origin: germline.
Comment: This sequence change replaces methionine, which is neutral and non-polar, with arginine, which is basic and polar, at codon 236 of the FKTN protein (p.Met236Arg). This variant is present in population databases (rs769033293, gnomAD 0.01%). This variant has not been reported in the literature in individuals affected with FKTN-related conditions. ClinVar contains an entry for this variant (Variation ID: 1493837). Advanced modeling of protein sequence and biophysical properties (such as structural, functional, and spatial information, amino acid conservation, physicochemical variation, residue mobility, and thermodynamic stability) performed at Invitae indicates that this missense variant is not expected to disrupt FKTN protein function. In summary, the available evidence is currently insufficient to determine the role of this variant in disease. Therefore, it has been classified as a Variant of Uncertain Significance.